The following is an entry in ClinVar:

ClinVar aggregate classification (germline): Uncertain significance (1 of 4 stars; one submission).

Conditions:
X-linked Alport syndrome (ATS1). Also called: NEPHROPATHY AND DEAFNESS, X-LINKED; COL4A5-Related Nephropathy. Identifiers: Orphanet 63, Orphanet 88917, MedGen C4746986, MONDO:0010520, OMIM 301050.

Submission:

Victorian Clinical Genetics Services, Murdoch Childrens Research Institute
Classification: Uncertain significance for X-linked Alport syndrome. Last evaluated: 2024-10-09. Review status: criteria provided, single submitter. Criteria: ACMG Guidelines, 2015. Collection method: clinical testing. Allele origin: germline. Inheritance: X-linked recessive inheritance. Affected: yes.
Comment: Based on the classification scheme VCGS_Germline_v1.3.4, this variant is classified as VUS-3A. Following criteria are met: 0103 - Dominant negative and loss of function are known mechanisms of disease in this gene and are associated with X-linked Alport syndrome 1 (MIM#301050). Dominant negative is caused mostly by glycine substitutions that affect the conformation of the protein, and loss of function can be caused by either protein truncating or missense variants (PMID: 24046192, 12028435). (I) 0110 - This gene is associated with X-linked dominant disease. Males are typically more severely affected than females (PMID: 19965530). (I) 0115 - Variants in this gene are known to have variable expressivity. There is intrafamilial variability among affected carrier females, possibly due to variable X-inactivation (PMID: 14514738). (I) 0200 - Variant is predicted to result in a missense amino acid change from proline to leucine. (I) 0253 - This variant is hemizygous. (I) 0301 - Variant is absent from gnomAD (both v2 and v3). (SP) 0309 - An alternative amino acid change at the same position has been observed in gnomAD (v2) (0 heterozygotes, 0 homozygotes, 1 hemizygote). (I) 0501 - Missense variant consistently predicted to be damaging by multiple in silico tools or highly conserved with a major amino acid change. (SP) 0600 - Variant is located in the annotated collagen domain (DECIPHER). (I) 0705 - No comparable missense variants have previous evidence for pathogenicity. (I) 0803 - This variant has limited previous evidence of pathogenicity in unrelated individuals. This variant has been reported in multiple affected individuals from two distantly related families. Males hemizygous for this variant presented with end stage renal disease and mild chronic renal failure. Females heterozygous for this variant presented with hematuria and proteinuria (PMID: 21332469). (SP) 1007 - No published functional evidence has been identified for this variant. (I) 1208 - Inheritance information for this variant is not currently available in this individual. (I) Legend: (SP) - Supporting pathogenic, (I) - Information, (SB) - Supporting benign

Literature cited by the submitters: PubMed 12028435; PubMed 14514738; PubMed 19965530; PubMed 21332469; PubMed 24046192.

NM_033380.3(COL4A5):c.1883C>T (p.Pro628Leu)

Gene: COL4A5 (collagen type IV alpha 5 chain; plus strand). Cytogenetic location: Xq22.3.
Variant type: single nucleotide variant.
Coding change: c.1883C>T on transcript NM_033380.3 (MANE Select); coding-DNA position 1883, C replaced by T.
Protein change: p.Pro628Leu; replaces proline 628 with leucine.
Molecular consequence: missense variant.
Genome position (GRCh38, 1-based): chrX:108,598,805, C>T. VCF-style: chrX-108598805-C-T. GRCh37 (hg19) VCF-style: chrX-107842035-C-T.
Other names: c.1883C>T, p.Pro628Leu (NM_000495.5); c.1883C>T (NM_033380.2); short protein forms P628L.
Identifiers: ClinVar variation 3377334 (VCV003377334.1), dbSNP rs281874682.